The following is an entry in ClinVar:

NM_002230.4(JUP):c.335A>G (p.Asn112Ser)

Gene: JUP (junction plakoglobin; minus strand). Cytogenetic location: 17q21.2.
Variant type: single nucleotide variant.
Coding change: c.335A>G on transcript NM_002230.4 (MANE Select); coding-DNA position 335, A replaced by G.
Protein change: p.Asn112Ser; replaces asparagine 112 with serine.
Molecular consequence: missense variant.
Genome position (GRCh38, 1-based): chr17:41,769,551, T>C on the plus strand (A>G on the coding strand, the complement: JUP is on the minus strand). VCF-style: chr17-41769551-T-C. GRCh37 (hg19) VCF-style: chr17-39925803-T-C.
Other names: c.335A>G, p.Asn112Ser (NM_001352773.2, NM_001352774.2, NM_001352775.2 and 3 more transcripts); short protein forms N112S.
Identifiers: ClinVar variation 191677 (VCV000191677.14), dbSNP rs372364561, ClinGen allele CA237240.

ClinVar aggregate classification (germline): Conflicting classifications of pathogenicity. Review status: criteria provided, conflicting classifications (1 of 4 stars). 6 submissions from 6 submitters: Uncertain significance (3); Benign (1). 2 of the submissions do not count toward it. Last evaluated 2024-12-05.

Conditions:
Cardiovascular phenotype. Identifiers: MedGen CN230736.
Arrhythmogenic right ventricular dysplasia 12. Also called: ARRHYTHMOGENIC RIGHT VENTRICULAR DYSPLASIA, FAMILIAL, 12. Identifiers: MedGen C1969081, MONDO:0012684, OMIM 611528.
Naxos disease (NXD). Also called: CARDIOMYOPATHY, ARRHYTHMOGENIC RIGHT VENTRICULAR, WITH SKIN, HAIR, AND NAIL ABNORMALITIES; PALMOPLANTAR KERATODERMA WITH ARRHYTHMOGENIC RIGHT VENTRICULAR CARDIOMYOPATHY AND WOOLLY HAIR; WOOLLY HAIR, PALMOPLANTAR KERATODERMA, AND CARDIAC ABNORMALITIES; KERATOSIS PALMOPLANTARIS WITH ARRHYTHMOGENIC CARDIOMYOPATHY; MAL DE NAXOS. Identifiers: Orphanet 34217, MedGen C1832600, MONDO:0011017, OMIM 601214.

Allele frequency attached by ClinVar (database versions not stated): gnomAD 0.00001 and 0.00003; TOPMed 0.00001; gnomAD exomes 0.00003 and 0.00006; ESP Exome Variant Server 0.00008; ExAC 0.00010; 1000 Genomes Project 30x 0.00016; 1000 Genomes Project 0.00020.
gnomAD v4.1: 44 of 1,608,632 alleles (0.0027%); highest among the groups gnomAD compares: South Asian, 0.032%; no homozygotes.

Submissions (6):

Labcorp Genetics (formerly Invitae), Labcorp
Classification: Uncertain significance for Arrhythmogenic right ventricular dysplasia 12; Naxos disease. Last evaluated: 2024-12-05. Review status: criteria provided, single submitter. Criteria: Invitae Variant Classification Sherloc (09022015). Collection method: clinical testing. Allele origin: germline.
Comment: This sequence change replaces asparagine, which is neutral and polar, with serine, which is neutral and polar, at codon 112 of the JUP protein (p.Asn112Ser). This variant is present in population databases (rs372364561, gnomAD 0.04%). This variant has not been reported in the literature in individuals affected with JUP-related conditions. ClinVar contains an entry for this variant (Variation ID: 191677). An algorithm developed to predict the effect of missense changes on protein structure and function (PolyPhen-2) suggests that this variant¬¨‚Ä†is likely to be tolerated. In summary, the available evidence is currently insufficient to determine the role of this variant in disease. Therefore, it has been classified as a Variant of Uncertain Significance.

Blueprint Genetics
Classification: Uncertain significance. Last evaluated: 2024-10-25. Review status: criteria provided, single submitter. Criteria: ACMG Guidelines, 2015. Collection method: clinical testing. Allele origin: germline.

Ambry Genetics
Classification: Benign for Cardiovascular phenotype. Last evaluated: 2024-05-09. Review status: criteria provided, single submitter. Criteria: Ambry Variant Classification Scheme 2023. Collection method: clinical testing. Allele origin: germline.

Biesecker Lab/Clinical Genomics Section, National Institutes of Health
Classification: Uncertain significance. Last evaluated: 2013-06-24. Review status: criteria provided, single submitter. Criteria: Ng et al. (Circ Cardiovasc Genet. 2013). Collection method: research. Allele origin: unknown. Observed: 1 variant allele. Study: ClinSeq.
Comment: The study set was not selected for affection status in relation to any cancer. Pathogenicity categories were based on literature curation. See Pubmed ID:23861362 for details.

Medical sequencing

Diagnostic Laboratory, Department of Genetics, University Medical Center Groningen
Classification: Likely benign. Review status: no assertion criteria provided. Collection method: clinical testing. Allele origin: germline. Affected: yes. Study: VKGL Data-share Consensus. Not counted in ClinVar's aggregate classification.

Genome Diagnostics Laboratory, University Medical Center Utrecht
Classification: Likely benign. Review status: no assertion criteria provided. Collection method: clinical testing. Allele origin: germline. Affected: yes. Study: VKGL Data-share Consensus. Not counted in ClinVar's aggregate classification.